The following is an entry in ClinVar:

NM_018489.3(ASH1L):c.2407T>G (p.Ser803Ala)

Gene: ASH1L (ASH1 like histone lysine methyltransferase; minus strand). Cytogenetic location: 1q22.
Variant type: single nucleotide variant.
Coding change: c.2407T>G on transcript NM_018489.3 (MANE Select); coding-DNA position 2407, T replaced by G.
Protein change: p.Ser803Ala; replaces serine 803 with alanine.
Molecular consequence: missense variant.
Genome position (GRCh38, 1-based): chr1:155,480,463, A>C on the plus strand (T>G on the coding strand, the complement: ASH1L is on the minus strand). VCF-style: chr1-155480463-A-C. GRCh37 (hg19) VCF-style: chr1-155450254-A-C.
Other names: c.2407T>G, p.Ser803Ala (NM_001366177.2); short protein forms S803A.
Identifiers: ClinVar variation 1806033 (VCV001806033.1), dbSNP rs2527179301, ClinGen allele CA342724459.
Genomic context (GRCh38, chr1:155,480,463, plus strand): 5'-TATCAGACAAAAGGTCACTAGAGACACACATACTGGAGGATAGTTTGTGAGTAGCAAAAG[A>C]CTTATGAGATGGTTTTTCACTATCAGCTAAGAGAGCAAGAGATGGAGCTGTGGATTTGCT-3'
Protein context (NP_060959.2, residues 793-813): LADSEKPSHK[Ser803Ala]FATHKLSSSM

ClinVar aggregate classification (germline): Uncertain significance (1 of 4 stars; one submission).

Conditions:
Intellectual developmental disorder, autosomal dominant 52. Also called: Intellectual disability, autosomal dominant 52; Mental retardation, autosomal dominant 52. Identifiers: MedGen C4540478, MONDO:0030918, OMIM 617796.

gnomAD v4.1: 2 of 1,614,090 alleles (0.00012%); highest among the groups gnomAD compares: East Asian, 0.0045%; no homozygotes.

Submission:

Victorian Clinical Genetics Services, Murdoch Childrens Research Institute
Classification: Uncertain significance for Intellectual developmental disorder, autosomal dominant 52. Last evaluated: 2020-05-21. Review status: criteria provided, single submitter. Criteria: ACMG Guidelines, 2015. Collection method: clinical testing. Allele origin: germline. Inheritance: Autosomal dominant inheritance.
Comment: Based on the classification scheme VCGS_Germline_v1.1.1, this variant is classified as 3C-VUS. Following criteria are met: 0102 - Loss-of-function is a known mechanism of disease for this gene. (N) 0107 - This gene is known to be associated with autosomal dominant disease. (N) 0200 - Variant is predicted to result in a missense amino acid change from serine to alanine (exon 3). (N) 0251 - Variant is heterozygous. (N) 0301 - Variant is absent from gnomAD. (P) 0502 - Missense variant with conflicting in silico predictions and/or uninformative conservation. (N) 0504 - Same amino acid change has been observed in mammals. (B) 0604 - Variant is not located in an established domain, motif, hotspot or informative constraint region. (N) 0705 - No comparable variants have previous evidence for pathogenicity. (N) 0807 - Variant has not previously been reported in a clinical context. (N) 0905 - No segregation evidence has been identified for this variant. (N) 1007 - No published functional evidence has been identified for this variant. (N) 1208 - Inheritance information for this variant is not currently available. (N) Legend: (P) - Pathogenic, (N) - Neutral, (B) - Benign